The following is an entry in ClinVar:

ClinVar aggregate classification (germline): Pathogenic (1 of 4 stars; one submission).

Submission:

Labcorp Genetics (formerly Invitae), Labcorp
Classification: Pathogenic. Last evaluated: 2025-08-30. Review status: criteria provided, single submitter. Criteria: Invitae Variant Classification Sherloc (09022015). Collection method: clinical testing. Allele origin: germline.
Comment: This sequence change creates a premature translational stop signal (p.Gln386*) in the UBE3B gene. It is expected to result in an absent or disrupted protein product. Loss-of-function variants in UBE3B are known to be pathogenic (PMID: 23687348, 24615390). This variant is not present in population databases (gnomAD no frequency). This variant has not been reported in the literature in individuals affected with UBE3B-related conditions. For these reasons, this variant has been classified as Pathogenic.

Literature cited by the submitters: PubMed 23687348; PubMed 24615390.

NM_130466.4(UBE3B):c.1156C>T (p.Gln386Ter)

Gene: UBE3B (ubiquitin protein ligase E3B; plus strand). Cytogenetic location: 12q24.11.
Variant type: single nucleotide variant.
Coding change: c.1156C>T on transcript NM_130466.4 (MANE Select); coding-DNA position 1156, C replaced by T.
Protein change: p.Gln386Ter; replaces glutamine 386 with a stop codon.
Molecular consequence: nonsense.
Genome position (GRCh38, 1-based): chr12:109,501,408, C>T. VCF-style: chr12-109501408-C-T. GRCh37 (hg19) VCF-style: chr12-109939213-C-T.
Other names: c.1156C>T, p.Gln386Ter (NM_183415.3); short protein forms Q386*.
Identifiers: ClinVar variation 4709095 (VCV004709095.1).
Genomic context (GRCh38, chr12:109,501,408, plus strand): 5'-AGGTCTCCTCTGCTCTCTCCTAGCCTTAACGAGTCAATGCACTTGATCACCAAACAGCTG[C>T]AGTTCTTGTGGGGGGTGCCTCTGATCCGGATCTTCTTCTGTGACATCCTGAGCAAGAAGC-3'